The following is an entry in ClinVar:

ClinVar aggregate classification (germline): Uncertain significance (1 of 4 stars; one submission).

Conditions:
Autoimmune interstitial lung disease-arthritis syndrome. Also called: Autoinflammation and autoimmunity, systemic, with immune dysregulation. Identifiers: Orphanet 444092, MedGen C5975714, MONDO:0014629.

gnomAD v4.1: 1 of 1,613,724 alleles (0.000062%); highest among the groups gnomAD compares: Non-Finnish European, 0.000085%; no homozygotes.

Submission:

Labcorp Genetics (formerly Invitae), Labcorp
Classification: Uncertain significance for Autoimmune interstitial lung disease-arthritis syndrome. Last evaluated: 2024-05-15. Review status: criteria provided, single submitter. Criteria: Invitae Variant Classification Sherloc (09022015). Collection method: clinical testing. Allele origin: germline.
Comment: This sequence change replaces glycine, which is neutral and non-polar, with alanine, which is neutral and non-polar, at codon 556 of the COPA protein (p.Gly556Ala). This variant also falls at the last nucleotide of exon 17, which is part of the consensus splice site for this exon. This variant is not present in population databases (gnomAD no frequency). This variant has not been reported in the literature in individuals affected with COPA-related conditions. An algorithm developed to predict the effect of missense changes on protein structure and function (PolyPhen-2) suggests that this variant is likely to be disruptive. Variants that disrupt the consensus splice site are a relatively common cause of aberrant splicing (PMID: 17576681, 9536098). Algorithms developed to predict the effect of sequence changes on RNA splicing suggest that this variant may disrupt the consensus splice site. In summary, the available evidence is currently insufficient to determine the role of this variant in disease. Therefore, it has been classified as a Variant of Uncertain Significance.

Literature cited by the submitters: PubMed 17576681; PubMed 9536098.

NM_004371.4(COPA):c.1667G>C (p.Gly556Ala)

Gene: COPA (coat protein complex I subunit alpha; minus strand). Cytogenetic location: 1q23.2.
Variant type: single nucleotide variant.
Coding change: c.1667G>C on transcript NM_004371.4 (MANE Select); coding-DNA position 1667, G replaced by C.
Protein change: p.Gly556Ala; replaces glycine 556 with alanine.
Molecular consequence: missense variant.
Genome position (GRCh38, 1-based): chr1:160,305,433, C>G on the plus strand (G>C on the coding strand, the complement: COPA is on the minus strand). VCF-style: chr1-160305433-C-G. GRCh37 (hg19) VCF-style: chr1-160275223-C-G.
Other names: c.1694G>C, p.Gly565Ala (NM_001098398.2); short protein forms G565A, G556A.
Identifiers: ClinVar variation 3653503 (VCV003653503.2).